The following is an entry in ClinVar:

NM_000053.4(ATP7B):c.3879G>C (p.Glu1293Asp)

Gene: ATP7B (ATPase copper transporting beta; minus strand). Cytogenetic location: 13q14.3.
Variant type: single nucleotide variant.
Coding change: c.3879G>C on transcript NM_000053.4 (MANE Select); coding-DNA position 3879, G replaced by C.
Protein change: p.Glu1293Asp; replaces glutamic acid 1293 with aspartic acid.
Molecular consequence: missense variant. On other transcripts: intron variant (1).
Genome position (GRCh38, 1-based): chr13:51,937,500, C>G on the plus strand (G>C on the coding strand, the complement: ATP7B is on the minus strand). VCF-style: chr13-51937500-C-G. GRCh37 (hg19) VCF-style: chr13-52511636-C-G.
Other names: c.3258G>C, p.Glu1086Asp (NM_001005918.3); c.3546G>C, p.Glu1182Asp (NM_001243182.2); c.3645G>C, p.Glu1215Asp (NM_001330578.2, NM_001406527.1, NM_001406528.1); c.3627G>C, p.Glu1209Asp (NM_001330579.2, NM_001406531.1, NM_001406532.1); c.3879G>C, p.Glu1293Asp (NM_001406511.1, NM_001406512.1); c.3873G>C, p.Glu1291Asp (NM_001406513.1); c.3846G>C, p.Glu1282Asp (NM_001406514.1); c.3825G>C, p.Glu1275Asp (NM_001406515.1, NM_001406516.1); and 21 more; short protein forms E1012D, E1066D, E1077D, E1086D, E1099D, E1129D, E1131D, E1144D.
Identifiers: ClinVar variation 3075581 (VCV003075581.1), dbSNP rs2547567041, ClinGen allele CA388021468.

ClinVar aggregate classification (germline): Uncertain significance (1 of 4 stars; one submission).

Conditions:
Wilson disease (WND). Also called: Wilson's disease. Identifiers: Orphanet 905, MedGen C0019202, MONDO:0010200, OMIM 277900. Disease mechanism: loss of function.

Allele frequency attached by ClinVar (database versions not stated): gnomAD exomes below 0.00001.

Submission:

All of Us Research Program, National Institutes of Health
Classification: Uncertain significance for Wilson disease. Last evaluated: 2023-05-04. Review status: criteria provided, single submitter. Criteria: ACMG Guidelines, 2015. Collection method: clinical testing. Allele origin: germline. Inheritance: Autosomal recessive inheritance. Observed: 1 variant allele, 1 heterozygote.
Comment: This study involves interpretation of variants in research participants for the purpose of population health screening. Participant phenotype was not available at the time of variant classification. Additional details can be found in publication PMID: 35346344, PMCID: PMC8962531